The following is an entry in ClinVar:

ClinVar aggregate classification (germline): Uncertain significance (1 of 4 stars; one submission).

Allele frequency attached by ClinVar (database versions not stated): gnomAD 0.00001; TOPMed 0.00002; 1000 Genomes Project 30x 0.00016; 1000 Genomes Project 0.00020.

Submission:

Labcorp Genetics (formerly Invitae), Labcorp
Classification: Uncertain significance. Last evaluated: 2022-01-07. Review status: criteria provided, single submitter. Criteria: Invitae Variant Classification Sherloc (09022015). Collection method: clinical testing. Allele origin: germline.
Comment: In summary, the available evidence is currently insufficient to determine the role of this variant in disease. Therefore, it has been classified as a Variant of Uncertain Significance. Experimental studies and prediction algorithms are not available or were not evaluated, and the functional significance of this variant is currently unknown. This variant has not been reported in the literature in individuals affected with FECH-related conditions. The frequency data for this variant in the population databases is considered unreliable, as metrics indicate poor data quality at this position in the gnomAD database. This sequence change affects the initiator methionine of the FECH mRNA. The next in-frame methionine is located at codon 8.

NM_000140.5(FECH):c.2T>C (p.Met1Thr)

Genes: FECH (ferrochelatase; minus strand), LOC130062560 (ATAC-STARR-seq lymphoblastoid silent region 9481; plus strand). Cytogenetic location: 18q21.31.
Variant type: single nucleotide variant.
Coding change: c.2T>C on transcript NM_000140.5 (MANE Select); coding-DNA position 2, T replaced by C.
Protein change: p.Met1Thr; changes the start codon (methionine 1).
Molecular consequence: missense variant, initiator codon variant. On other transcripts: 5 prime UTR variant (1).
Genome position (GRCh38, 1-based): chr18:57,586,619, A>G on the plus strand (T>C on the coding strand, the complement: FECH is on the minus strand). VCF-style: chr18-57586619-A-G. GRCh37 (hg19) VCF-style: chr18-55253851-A-G.
Other names: c.2T>C, p.Met1Thr (NM_001012515.4, NM_001371094.1, NM_001374778.1); c.-325T>C (NM_001371095.1); short protein forms M1T.
Identifiers: ClinVar variation 1985962 (VCV001985962.5), dbSNP rs556796405, ClinGen allele CA300842869.
Genomic context (GRCh38, chr18:57,586,619, plus strand): 5'-TCGCGGAGCAGGACGCCCGCGGCGCGCAGGGCCGCAGCCATGTTTGCGCCGAGTGAACGC[A>G]TTGCCTGGGCAGCCTCGGCCCGAGTCCGGGCTCCTCCCGCGGCGGCGCGCCCAGGTGTCC-3'
Protein context (NP_000131.2, residues 1-11): [Met1Thr]RSLGANMAAA